The following is an entry in ClinVar:

ClinVar aggregate classification (germline): Uncertain significance (1 of 4 stars; one submission).

Conditions:
Familial cold autoinflammatory syndrome 2 (FCAS2). Identifiers: Orphanet 247868, MedGen C2673198, MONDO:0012724, OMIM 611762.

Allele frequency attached by ClinVar (database versions not stated): gnomAD exomes below 0.00001.
gnomAD v4.1: 3 of 1,614,068 alleles (0.00019%); highest among the groups gnomAD compares: Non-Finnish European, 0.00025%; no homozygotes.

Submission:

Labcorp Genetics (formerly Invitae), Labcorp
Classification: Uncertain significance for Familial cold autoinflammatory syndrome 2. Last evaluated: 2021-12-22. Review status: criteria provided, single submitter. Criteria: Invitae Variant Classification Sherloc (09022015). Collection method: clinical testing. Allele origin: germline.
Comment: This variant is not present in population databases (gnomAD no frequency). This sequence change replaces isoleucine, which is neutral and non-polar, with arginine, which is basic and polar, at codon 767 of the NLRP12 protein (p.Ile767Arg). This variant has not been reported in the literature in individuals affected with NLRP12-related conditions. In summary, the available evidence is currently insufficient to determine the role of this variant in disease. Therefore, it has been classified as a Variant of Uncertain Significance. Algorithms developed to predict the effect of sequence changes on RNA splicing suggest that this variant may create or strengthen a splice site. Algorithms developed to predict the effect of missense changes on protein structure and function are either unavailable or do not agree on the potential impact of this missense change (SIFT: "Deleterious"; PolyPhen-2: "Benign"; Align-GVGD: "Class C0").

NM_144687.4(NLRP12):c.2300T>G (p.Ile767Arg)

Gene: NLRP12 (NLR family pyrin domain containing 12; minus strand). Cytogenetic location: 19q13.42.
Variant type: single nucleotide variant.
Coding change: c.2300T>G on transcript NM_144687.4 (MANE Select); coding-DNA position 2300, T replaced by G.
Protein change: p.Ile767Arg; replaces isoleucine 767 with arginine.
Molecular consequence: missense variant.
Genome position (GRCh38, 1-based): chr19:53,805,394, A>C on the plus strand (T>G on the coding strand, the complement: NLRP12 is on the minus strand). VCF-style: chr19-53805394-A-C. GRCh37 (hg19) VCF-style: chr19-54308648-A-C.
Other names: c.2303T>G, p.Ile768Arg (NM_001277126.2); c.2300T>G, p.Ile767Arg (NM_001277129.1); short protein forms I768R, I767R.
Identifiers: ClinVar variation 2144911 (VCV002144911.4), dbSNP rs1335077713, ClinGen allele CA407410581.